The following is an entry in ClinVar:

NM_003900.5(SQSTM1):c.590G>A (p.Gly197Glu)

Gene: SQSTM1 (sequestosome 1; plus strand). Cytogenetic location: 5q35.3.
Variant type: single nucleotide variant.
Coding change: c.590G>A on transcript NM_003900.5 (MANE Select); coding-DNA position 590, G replaced by A.
Protein change: p.Gly197Glu; replaces glycine 197 with glutamic acid.
Molecular consequence: missense variant.
Genome position (GRCh38, 1-based): chr5:179,824,240, G>A. VCF-style: chr5-179824240-G-A. GRCh37 (hg19) VCF-style: chr5-179251240-G-A.
Other names: c.338G>A, p.Gly113Glu (NM_001142298.2, NM_001142299.2); short protein forms G113E, G197E.
Identifiers: ClinVar variation 2948752 (VCV002948752.3), dbSNP rs2480215251, ClinGen allele CA362445643.
Genomic context (GRCh38, chr5:179,824,240, plus strand): 5'-AGGGCTTCTCGCACAGCCGCTGGCTCCGGAAGGTGAAACACGGACACTTCGGGTGGCCAG[G>A]ATGGGAAATGGGTCCACCAGGAAACTGGAGCCCACGTCCTCCTCGTGCAGGGGAGGCCCG-3'
Protein context (NP_003891.1, residues 187-207): KVKHGHFGWP[Gly197Glu]WEMGPPGNWS

ClinVar aggregate classification (germline): Uncertain significance (1 of 4 stars; one submission).

Conditions:
Paget disease of bone 2, early-onset (PDB2). Also called: Paget disease of bone 2. Identifiers: MedGen C4085251, MONDO:0011183, OMIM 602080.
Frontotemporal dementia and/or amyotrophic lateral sclerosis 1 (FTDALS1). Also called: Frontotemporal dementia with motor neuron disease 1; C9orf72 Frontotemporal Dementia and/or Amyotrophic Lateral Sclerosis. Identifiers: Orphanet 275872, MedGen C5779877, MONDO:0007105, OMIM 105550.

Allele frequency attached by ClinVar (database versions not stated): gnomAD exomes below 0.00001.
gnomAD v4.1: 1 of 1,613,870 alleles (0.000062%); highest among the groups gnomAD compares: South Asian, 0.0011%; no homozygotes.

Submission:

Labcorp Genetics (formerly Invitae), Labcorp
Classification: Uncertain significance for Paget disease of bone 2, early-onset; Frontotemporal dementia and/or amyotrophic lateral sclerosis 1. Last evaluated: 2023-05-26. Review status: criteria provided, single submitter. Criteria: Invitae Variant Classification Sherloc (09022015). Collection method: clinical testing. Allele origin: germline.
Comment: In summary, the available evidence is currently insufficient to determine the role of this variant in disease. Therefore, it has been classified as a Variant of Uncertain Significance. Advanced modeling of protein sequence and biophysical properties (such as structural, functional, and spatial information, amino acid conservation, physicochemical variation, residue mobility, and thermodynamic stability) performed at Invitae indicates that this missense variant is not expected to disrupt SQSTM1 protein function. This variant has not been reported in the literature in individuals affected with SQSTM1-related conditions. This variant is not present in population databases (gnomAD no frequency). This sequence change replaces glycine, which is neutral and non-polar, with glutamic acid, which is acidic and polar, at codon 197 of the SQSTM1 protein (p.Gly197Glu).